The following is an entry in ClinVar:

NM_001963.6(EGF):c.797T>C (p.Met266Thr)

Gene: EGF (epidermal growth factor; plus strand). Cytogenetic location: 4q25.
Variant type: single nucleotide variant.
Coding change: c.797T>C on transcript NM_001963.6 (MANE Select); coding-DNA position 797, T replaced by C.
Protein change: p.Met266Thr; replaces methionine 266 with threonine.
Molecular consequence: missense variant.
Genome position (GRCh38, 1-based): chr4:109,945,132, T>C. VCF-style: chr4-109945132-T-C. GRCh37 (hg19) VCF-style: chr4-110866288-T-C.
Other names: c.797T>C, p.Met266Thr (NM_001178130.3, NM_001178131.3, NM_001357021.2); short protein forms M266T.
Identifiers: ClinVar variation 2125642 (VCV002125642.4), dbSNP rs1218787853, ClinGen allele CA357877143.
Genomic context (GRCh38, chr4:109,945,132, plus strand): 5'-GGCATAATTTGTTTGCAATGTCCCTTTTTGGTGACCGTATCTTCTATTCAACATGGAAAA[T>C]GAAGACAATTTGGATAGCCAACAAACACACTGGAAAGGACATGGTTAGAATTAACCTCCA-3'
Protein context (NP_001954.2, residues 256-276): GDRIFYSTWK[Met266Thr]KTIWIANKHT

ClinVar aggregate classification (germline): Uncertain significance (1 of 4 stars; one submission).

gnomAD v4.1: 1 of 1,614,128 alleles (0.000062%); highest among the groups gnomAD compares: Admixed American, 0.0017%; no homozygotes.

Submission:

Labcorp Genetics (formerly Invitae), Labcorp
Classification: Uncertain significance. Last evaluated: 2023-12-21. Review status: criteria provided, single submitter. Criteria: Invitae Variant Classification Sherloc (09022015). Collection method: clinical testing. Allele origin: germline.
Comment: This sequence change replaces methionine, which is neutral and non-polar, with threonine, which is neutral and polar, at codon 266 of the EGF protein (p.Met266Thr). This variant is present in population databases (no rsID available, gnomAD 0.006%). This variant has not been reported in the literature in individuals affected with EGF-related conditions. ClinVar contains an entry for this variant (Variation ID: 2125642). Algorithms developed to predict the effect of missense changes on protein structure and function output the following: SIFT: "Not Available"; PolyPhen-2: "Benign"; Align-GVGD: "Not Available". The threonine amino acid residue is found in multiple mammalian species, which suggests that this missense change does not adversely affect protein function. In summary, the available evidence is currently insufficient to determine the role of this variant in disease. Therefore, it has been classified as a Variant of Uncertain Significance.